The following is an entry in ClinVar:

NM_004360.5(CDH1):c.975C>T (p.Val325=)

Gene: CDH1 (cadherin 1; plus strand). Cytogenetic location: 16q22.1.
Variant type: single nucleotide variant.
Coding change: c.975C>T on transcript NM_004360.5 (MANE Select); coding-DNA position 975, C replaced by T.
Protein change: p.Val325=; no amino-acid change (valine 325 retained).
Molecular consequence: synonymous variant. On other transcripts: 5 prime UTR variant (2).
Genome position (GRCh38, 1-based): chr16:68,811,826, C>T. VCF-style: chr16-68811826-C-T. GRCh37 (hg19) VCF-style: chr16-68845729-C-T.
Other names: c.975C>T, p.Val325= (NM_001317184.2); c.-641C>T (NM_001317185.2); c.-845C>T (NM_001317186.2).
Identifiers: ClinVar variation 1135441 (VCV001135441.12), dbSNP rs1597894252, ClinGen allele CA496152956.

ClinVar aggregate classification (germline): Benign/Likely benign. Review status: criteria provided, multiple submitters, no conflicts (2 of 4 stars). 3 submissions from 3 submitters: Benign (1); Likely benign (2). Last evaluated 2024-09-17.

Conditions:
Hereditary cancer-predisposing syndrome. Also called: Neoplastic Syndromes, Hereditary; Hereditary neoplastic syndrome; Tumor predisposition; Hereditary Cancer Syndrome. Identifiers: Orphanet 140162, MedGen C0027672, MeSH D009386, MONDO:0015356.
Hereditary diffuse gastric adenocarcinoma (HDGC). Also called: DIFFUSE GASTRIC AND LOBULAR BREAST CANCER SYNDROME. Identifiers: Orphanet 26106, MedGen C1708349, MONDO:0007648, OMIM 137215.

Allele frequency attached by ClinVar (database versions not stated): gnomAD exomes below 0.00001; gnomAD 0.00001.
gnomAD v4.1: 2 of 1,614,058 alleles (0.00012%); highest among the groups gnomAD compares: Non-Finnish European, 0.00017%; no homozygotes.

Submissions (3):

Myriad Genetics, Inc.
Classification: Benign for Hereditary diffuse gastric adenocarcinoma. Last evaluated: 2024-09-17. Review status: criteria provided, single submitter. Criteria: Myriad Autosomal Dominant, Autosomal Recessive and X-Linked Classification Criteria (2023). Collection method: clinical testing. Allele origin: unknown.
Comment: This variant is considered benign. This variant is a silent/synonymous amino acid change and it is not expected to impact splicing.

Ambry Genetics
Classification: Likely benign for Hereditary cancer-predisposing syndrome. Last evaluated: 2021-02-26. Review status: criteria provided, single submitter. Criteria: Ambry Variant Classification Scheme 2023. Collection method: clinical testing. Allele origin: germline.

Labcorp Genetics (formerly Invitae), Labcorp
Classification: Likely benign for Hereditary diffuse gastric adenocarcinoma. Last evaluated: 2019-05-29. Review status: criteria provided, single submitter. Criteria: Invitae Variant Classification Sherloc (09022015). Collection method: clinical testing. Allele origin: germline.